The following is an entry in ClinVar:

ClinVar aggregate classification (germline): Uncertain significance. Review status: criteria provided, multiple submitters, no conflicts (2 of 4 stars). 2 submissions from 2 submitters: Uncertain significance (2). Last evaluated 2026-01-12.

Conditions:
Neutropenia, severe congenital, 2, autosomal dominant. Identifiers: Orphanet 486, MedGen C2751288, MONDO:0013139, OMIM 613107.

Submissions (2):

Ambry Genetics
Classification: Uncertain significance. Last evaluated: 2026-01-12. Review status: criteria provided, single submitter. Criteria: Ambry Variant Classification Scheme 2023. Collection method: clinical testing. Allele origin: germline.
Comment: The p.P164L variant (also known as c.491C>T), located in coding exon 3 of the GFI1 gene, results from a C to T substitution at nucleotide position 491. The proline at codon 164 is replaced by leucine, an amino acid with similar properties. This amino acid position is conserved. In addition, this alteration is predicted to be tolerated by in silico analysis. Based on the available evidence, the clinical significance of this variant remains unclear.

Labcorp Genetics (formerly Invitae), Labcorp
Classification: Uncertain significance for Neutropenia, severe congenital, 2, autosomal dominant. Last evaluated: 2022-03-16. Review status: criteria provided, single submitter. Criteria: Invitae Variant Classification Sherloc (09022015). Collection method: clinical testing. Allele origin: germline.
Comment: In summary, the available evidence is currently insufficient to determine the role of this variant in disease. Therefore, it has been classified as a Variant of Uncertain Significance. Algorithms developed to predict the effect of missense changes on protein structure and function output the following: SIFT: "Tolerated"; PolyPhen-2: "Possibly Damaging"; Align-GVGD: "Class C0". The leucine amino acid residue is found in multiple mammalian species, which suggests that this missense change does not adversely affect protein function. This variant has not been reported in the literature in individuals affected with GFI1-related conditions. This variant is not present in population databases (gnomAD no frequency). This sequence change replaces proline, which is neutral and non-polar, with leucine, which is neutral and non-polar, at codon 164 of the GFI1 protein (p.Pro164Leu).

NM_005263.5(GFI1):c.491C>T (p.Pro164Leu)

Gene: GFI1 (growth factor independent 1 transcriptional repressor; minus strand). Cytogenetic location: 1p22.1.
Variant type: single nucleotide variant.
Coding change: c.491C>T on transcript NM_005263.5 (MANE Select); coding-DNA position 491, C replaced by T.
Protein change: p.Pro164Leu; replaces proline 164 with leucine.
Molecular consequence: missense variant.
Genome position (GRCh38, 1-based): chr1:92,480,896, G>A on the plus strand (C>T on the coding strand, the complement: GFI1 is on the minus strand). VCF-style: chr1-92480896-G-A. GRCh37 (hg19) VCF-style: chr1-92946453-G-A.
Other names: c.491C>T, p.Pro164Leu (NM_001127215.3, NM_001127216.3); short protein forms P164L.
Identifiers: ClinVar variation 2112983 (VCV002112983.6), dbSNP rs2524727188, ClinGen allele CA341149725.